The following is an entry in ClinVar:

NM_000256.3(MYBPC3):c.1472T>G (p.Val491Gly)

Gene: MYBPC3 (myosin binding protein C3; minus strand). Cytogenetic location: 11p11.2.
Variant type: single nucleotide variant.
Coding change: c.1472T>G on transcript NM_000256.3 (MANE Select); coding-DNA position 1472, T replaced by G.
Protein change: p.Val491Gly; replaces valine 491 with glycine.
Molecular consequence: missense variant.
Genome position (GRCh38, 1-based): chr11:47,342,730, A>C on the plus strand (T>G on the coding strand, the complement: MYBPC3 is on the minus strand). VCF-style: chr11-47342730-A-C. GRCh37 (hg19) VCF-style: chr11-47364281-A-C.
Other names: short protein forms V491G.
Identifiers: ClinVar variation 3708074 (VCV003708074.2).
Genomic context (GRCh38, chr11:47,342,730, plus strand): 5'-TGGTGTCTCTGCCCGTCCTTCTTGAACCGGTATTTGAAGGTCTCCTCCCGGGTCAGCTCC[A>C]CCCCGTCCTTCAGCCTAGCCGGGTGGGTGGGTGGCAAGTGCTGTGGCCTCTTCTGGGCAG-3'
Protein context (NP_000247.2, residues 481-501): GAQVKWLKDG[Val491Gly]ELTREETFKY

ClinVar aggregate classification (germline): Uncertain significance (1 of 4 stars; one submission).

Conditions:
Hypertrophic cardiomyopathy. Also called: HYPERTROPHIC MYOCARDIOPATHY. Identifiers: Orphanet 217569, MedGen C0007194, MeSH D002312, MONDO:0005045, HP:0001639.

gnomAD v4.1: 3 of 1,613,966 alleles (0.00019%); highest among the groups gnomAD compares: South Asian, 0.0033%; no homozygotes.

Submission:

Labcorp Genetics (formerly Invitae), Labcorp
Classification: Uncertain significance for Hypertrophic cardiomyopathy. Last evaluated: 2025-01-27. Review status: criteria provided, single submitter. Criteria: Invitae Variant Classification Sherloc (09022015). Collection method: clinical testing. Allele origin: germline.
Comment: This sequence change replaces valine, which is neutral and non-polar, with glycine, which is neutral and non-polar, at codon 491 of the MYBPC3 protein (p.Val491Gly). This variant is present in population databases (rs778361492, gnomAD 0.006%). This variant has not been reported in the literature in individuals affected with MYBPC3-related conditions. An algorithm developed to predict the effect of missense changes on protein structure and function (PolyPhen-2) suggests that this variant is likely to be disruptive. In summary, the available evidence is currently insufficient to determine the role of this variant in disease. Therefore, it has been classified as a Variant of Uncertain Significance.